The following is an entry in ClinVar:

NM_006269.2(RP1):c.1274_1301del (p.Trp425fs)

Gene: RP1 (RP1 axonemal microtubule associated; plus strand). Cytogenetic location: 8q12.1.
Variant type: Deletion.
Coding change: c.1274_1301del on transcript NM_006269.2 (MANE Select); coding-DNA positions 1274 to 1301, 28 bases deleted (GGGAGAATGCTACTGTGGACACAGATAT).
Protein change: p.Trp425fs; shifts the reading frame from tryptophan 425.
Molecular consequence: frameshift variant. On other transcripts: intron variant (1).
Genome position (GRCh38, 1-based): chr8:54,625,156-54,625,183, GGGAGAATGCTACTGTGGACACAGATAT deleted; deleting any 28 consecutive bases within chr8:54,625,155-54,625,183 gives the same sequence; the c. name uses the placement nearest the transcript's 3' end. VCF-style (leftmost placement, unchanged base first): chr8-54625154-TTGGGAGAATGCTACTGTGGACACAGATA-T. GRCh37 (hg19) VCF-style: chr8-55537714-TTGGGAGAATGCTACTGTGGACACAGATA-T.
Other names: c.787+2868_787+2895del (NM_001375654.1); short protein forms W425fs.
Identifiers: ClinVar variation 1456952 (VCV001456952.8), dbSNP rs2129316028, ClinGen allele CA2573143216.

ClinVar aggregate classification (germline): Pathogenic (1 of 4 stars; one submission).

Submission:

Labcorp Genetics (formerly Invitae), Labcorp
Classification: Pathogenic. Last evaluated: 2025-02-03. Review status: criteria provided, single submitter. Criteria: Invitae Variant Classification Sherloc (09022015). Collection method: clinical testing. Allele origin: germline.
Comment: This sequence change creates a premature translational stop signal (p.Trp425Serfs*21) in the RP1 gene. While this is not anticipated to result in nonsense mediated decay, it is expected to disrupt the last 1732 amino acid(s) of the RP1 protein. This variant is not present in population databases (gnomAD no frequency). This premature translational stop signal has been observed in individual(s) with clinical features of retinitis pigmentosa (internal data). In at least one individual the data is consistent with being in trans (on the opposite chromosome) from a pathogenic variant. ClinVar contains an entry for this variant (Variation ID: 1456952). This variant disrupts the C-terminus of the RP1 protein. Many variants that disrupt this region have been reported in individuals with either autosomal dominant or autosomal recessive retinitis pigmentosa (PMID: 11527933, 19933189, 29425069, 30027431, 33681214). Therefore, variants that disrupt this region are expected to be disease-causing. For these reasons, this variant has been classified as Pathogenic.

Literature cited by the submitters: PubMed 11527933; PubMed 19933189; PubMed 29425069; PubMed 30027431; PubMed 33681214.